The following is an entry in ClinVar:

NM_021926.4(ALX4):c.*1447G>A

Gene: ALX4 (ALX homeobox 4; minus strand). Cytogenetic location: 11p11.2.
Variant type: single nucleotide variant.
Coding change: c.*1447G>A on transcript NM_021926.4 (MANE Select); 1447 bases downstream of the stop codon, G replaced by A.
Molecular consequence: 3 prime UTR variant.
Genome position (GRCh38, 1-based): chr11:44,263,407, C>T on the plus strand (G>A on the coding strand, the complement: ALX4 is on the minus strand). VCF-style: chr11-44263407-C-T. GRCh37 (hg19) VCF-style: chr11-44284957-C-T.
Other names: c.*1447G>A (LRG_1256t1).
Identifiers: ClinVar variation 304657 (VCV000304657.5), dbSNP rs11037920, ClinGen allele CA10638544.

ClinVar aggregate classification (germline): Benign (1 of 4 stars; one submission).

Conditions:
Parietal foramina 2 (PFM2). Identifiers: Orphanet 60015, MedGen C1865044, MONDO:0012309, OMIM 609597.

Allele frequency attached by ClinVar (database versions not stated): gnomAD 0.02530 and 0.02359; TOPMed 0.02713; 1000 Genomes Project 0.02716; 1000 Genomes Project 30x 0.02904; gnomAD exomes 0.02128.
gnomAD v4.1: 3,553 of 152,376 alleles (2.3%); highest among the groups gnomAD compares: African/African-American, 8.1%; 139 homozygotes.

Submission:

Illumina Laboratory Services, Illumina
Classification: Benign for Parietal foramina 2. Last evaluated: 2018-01-13. Review status: criteria provided, single submitter. Criteria: ICSL Variant Classification Criteria 13 December 2019. Collection method: clinical testing. Allele origin: germline.
Comment: This variant was observed in the ICSL laboratory as part of a predisposition screen in an ostensibly healthy population. It had not been previously curated by ICSL or reported in the Human Gene Mutation Database (HGMD: prior to June 1st, 2018), and was therefore a candidate for classification through an automated scoring system. Utilizing variant allele frequency, disease prevalence and penetrance estimates, and inheritance mode, an automated score was calculated to assess if this variant is too frequent to cause the disease. Based on the score and internal cut-off values, a variant classified as benign is not then subjected to further curation. The score for this variant resulted in a classification of benign for this disease.